The following continues an entry in ClinVar:

NM_000158.4(GBE1):c.691+2T>C

Gene: GBE1. ClinVar aggregate classification (germline): Pathogenic/Likely pathogenic. Pathogenic (31); Likely pathogenic (1).

Submissions 25 to 45 of 45:

Laboratory for Molecular Medicine, Mass General Brigham Personalized Medicine
Classification: Pathogenic for Glycogen storage disease. Last evaluated: 2020-06-16. Review status: criteria provided, single submitter. Criteria: LMM Criteria. Collection method: clinical testing. Allele origin: germline. Inheritance: Autosomal recessive inheritance. Observed: 2 variant alleles.
Comment: The c.691+2T>C variant in GBE1 has been reported in at least 3 compound heterozygous individuals with glycogen storage disease IV and segregated with disease in at least 2 affected relatives from 1 family (Fernandez 2010 PMID:19813197, Ravenscroft 2013 PMID:23218673, Schene 2018 PMID:30569318). It has also been reported in ClinVar (Variation ID 208584) and has been identified in 0.14% (160/110918) of European chromosomes by gnomAD. Although this variant has been seen in the general population, its frequency is low enough to be consistent with a recessive carrier frequency. This variant occurs within the canonical splice site (+/- 1,2) and is predicted to cause altered splicing leading to an abnormal or absent protein. Loss of function of the GBE1 gene is an established disease mechanism in autosomal recessive glycogen storage disease IV. In summary, this variant meets criteria to be classified as pathogenic for autosomal recessive glycogen storage disease IV. ACMG/AMP Criteria applied: PVS1, PM3_Strong, PP1_Moderate.

Cambridge Genomics Laboratory, East Genomic Laboratory Hub, NHS Genomic Medicine Service
Classification: Pathogenic for Dementia. Last evaluated: 2020-02-04. Review status: criteria provided, single submitter. Criteria: ACGS Best Practice Guidelines for Variant Classification in Rare Disease 2020. Collection method: clinical testing. Allele origin: germline. Affected: yes. Observed: 1 variant allele.

Centre for Mendelian Genomics, University Medical Centre Ljubljana
Classification: Pathogenic for Glycogen storage disease, type IV. Last evaluated: 2020-02-03. Review status: criteria provided, single submitter. Criteria: ACMG Guidelines, 2015. Collection method: clinical testing. Allele origin: unknown. Affected: yes.
Comment: This variant was classified as: Pathogenic. The following ACMG criteria were applied in classifying this variant: PVS1,PM2,PP5.

Cambridge Genomics Laboratory, East Genomic Laboratory Hub, NHS Genomic Medicine Service
Classification: Likely pathogenic for Arthrogryposis syndrome. Last evaluated: 2019-04-17. Review status: criteria provided, single submitter. Criteria: ACGS Best Practice Guidelines for Variant Classification in Rare Disease 2020. Collection method: clinical testing. Allele origin: germline. Affected: yes. Observed: 1 variant allele.

Rady Children's Institute for Genomic Medicine, Rady Children's Hospital San Diego
Classification: Pathogenic for Gbe1 Deficiency. Last evaluated: 2018-12-06. Review status: criteria provided, single submitter. Criteria: ACMG Guidelines, 2015. Collection method: clinical testing. Allele origin: germline. Affected: yes. Observed: 1 variant allele.
Comment: This variant affects the canonical splice donor site of intron 5 of 15, and is therefore predicted to interfere with splicing and result in loss of normal protein function. This variant has been previously reported as a compound heterozygous change in patients with GBE1 glycogen storage disease (PMID: 23218673, 19813197). It is present in the heterozygous state in the gnomAD population database at a frequency of 0.082% (183/223430; max AF: 0.0013 in European populations) and thus is presumed to be rare. Multiple splice prediction tools suggest this variant is likely to interfere with normal splicing. Based on the available evidence, the c.691+2T>C variant is classified as Pathogenic.

Illumina Laboratory Services, Illumina
Classification: Pathogenic for GBE1-Related Disorders. Last evaluated: 2017-10-13. Review status: criteria provided, single submitter. Criteria: ICSL Variant Classification Criteria 09 May 2019. Collection method: clinical testing. Allele origin: germline.
Comment: The GBE1 c.691+2T>C splice donor variant has been reported in a total of seven individuals, including five with glycogen storage disease type IV (GSD IV) and two with adult polyglucosan body disease (APBD) (Fernandez et al. 2010; Ravenscroft et al. 2013; Bendroth-Asmussen et al. 2016; Kuhn et al. 2016; Franco-Palacios et al. 2016; Lopez Chiriboga 2017). All five individuals with GSD IV and one individual with APBD were compound heterozygous for the variant. In addition, one individual with APBD was heterozygous for the c.691+2T>C variant and homozygous for another intronic variant in the GBE1 gene (Franco-Palacios et al. 2016). The c.691+2T>C variant was also identified in a heterozygous state in two unaffected individuals (Ravenscroft et al. 2013; Dainese et al. 2014). Control data are unavailable for this variant, which is reported at a frequency of 0.00196 in the European (non-Finnish) population of the Exome Aggregation Consortium. Two studies noted significantly reduced GBE enzyme activity in individual fibroblasts (Fernandez et al. 2010; Ravenscroft et al. 2013). Based on the evidence and due to the potential impact of splice donor variants, the p.691+2T>C variant is classified as pathogenic for GBE1-related disorders. This variant was observed by ICSL as part of a predisposition screen in an ostensibly healthy population.

Eurofins Ntd Llc (ga)
Classification: Pathogenic. Last evaluated: 2016-06-02. Review status: criteria provided, single submitter. Criteria: EGL Classification Definitions 2015. Collection method: clinical testing. Allele origin: germline. Observed: 2 variant alleles, 2 heterozygotes.

Center for Pediatric Genomic Medicine, Children's Mercy Hospital and Clinics
Classification: Pathogenic. Last evaluated: 2015-03-05. Review status: criteria provided, single submitter. Criteria: ACMG Guidelines, 2015. Collection method: clinical testing. Allele origin: germline.

Counsyl
Classification: Pathogenic for Glycogen storage disease, type IV. Last evaluated: 2017-08-03. Review status: no assertion criteria provided. Collection method: clinical testing. Allele origin: unknown. Not counted in ClinVar's aggregate classification.

Clinical Genetics DNA and cytogenetics Diagnostics Lab, Erasmus MC, Erasmus Medical Center
Classification: Pathogenic. Review status: no assertion criteria provided. Collection method: clinical testing. Allele origin: germline. Affected: yes. Study: VKGL Data-share Consensus. Not counted in ClinVar's aggregate classification.

Diagnostic Laboratory, Department of Genetics, University Medical Center Groningen
Classification: Pathogenic. Review status: no assertion criteria provided. Collection method: clinical testing. Allele origin: germline. Affected: yes. Study: VKGL Data-share Consensus. Not counted in ClinVar's aggregate classification.

Dr. Peter K. Rogan Lab, Western University
No classification provided (evidence only). Condition: Clear cell carcinoma of kidney. Review status: no classification provided. Collection method: in vitro. Allele origin: not applicable. Functional consequence: skipped exon, retained intron. Not counted in ClinVar's aggregate classification.

Dr. Peter K. Rogan Lab, Western University
No classification provided (evidence only). Condition: Familial cancer of breast. Review status: no classification provided. Collection method: in vitro. Allele origin: not applicable. Functional consequence: skipped exon, retained intron. Not counted in ClinVar's aggregate classification.

Dr. Peter K. Rogan Lab, Western University
No classification provided (evidence only). Condition: Acute myeloid leukemia. Review status: no classification provided. Collection method: in vitro. Allele origin: not applicable. Functional consequence: skipped exon, retained intron. Not counted in ClinVar's aggregate classification.

Dr. Peter K. Rogan Lab, Western University
No classification provided (evidence only). Condition: Sarcoma. Review status: no classification provided. Collection method: in vitro. Allele origin: not applicable. Functional consequence: retained intron. Not counted in ClinVar's aggregate classification.

Dr. Peter K. Rogan Lab, Western University
No classification provided (evidence only). Condition: Adrenocortical carcinoma, hereditary. Review status: no classification provided. Collection method: in vitro. Allele origin: not applicable. Functional consequence: skipped exon. Not counted in ClinVar's aggregate classification.

Dr. Peter K. Rogan Lab, Western University
No classification provided (evidence only). Condition: Familial pancreatic carcinoma. Review status: no classification provided. Collection method: in vitro. Allele origin: not applicable. Functional consequence: skipped exon, retained intron. Not counted in ClinVar's aggregate classification.

Genome Diagnostics Laboratory, Amsterdam University Medical Center
Classification: Pathogenic. Review status: no assertion criteria provided. Collection method: clinical testing. Allele origin: germline. Affected: yes. Study: VKGL Data-share Consensus. Not counted in ClinVar's aggregate classification.

Genome Diagnostics Laboratory, University Medical Center Utrecht
Classification: Pathogenic. Review status: no assertion criteria provided. Collection method: clinical testing. Allele origin: germline. Affected: yes. Study: VKGL Data-share Consensus. Not counted in ClinVar's aggregate classification.

Joint Genome Diagnostic Labs from Nijmegen and Maastricht, Radboudumc and MUMC+
Classification: Pathogenic. Review status: no assertion criteria provided. Collection method: clinical testing. Allele origin: germline. Affected: yes. Study: VKGL Data-share Consensus. Not counted in ClinVar's aggregate classification.

Laboratory of Diagnostic Genome Analysis, Leiden University Medical Center (LUMC)
Classification: Pathogenic. Review status: no assertion criteria provided. Collection method: clinical testing. Allele origin: germline. Affected: yes. Study: VKGL Data-share Consensus. Not counted in ClinVar's aggregate classification.

Literature cited by the submitters: PubMed 19813197 (cited by 10 submitters); PubMed 23218673 (cited by 8 submitters); PubMed 38012812 (cited by Dasa and Ambry Genetics); PubMed 16199547 (cited by Labcorp Genetics (formerly Invitae), Labcorp); PubMed 15452297 (cited by Labcorp Genetics (formerly Invitae), Labcorp and Variantyx, Inc.); PubMed 20058079 (cited by Labcorp Genetics (formerly Invitae), Labcorp and Variantyx, Inc.); PubMed 26166723 (cited by 6 submitters); PubMed 30569318 (cited by 4 submitters); PubMed 29379554 (cited by Victorian Clinical Genetics Services, Murdoch Childrens Research Institute and Women's Health and Genetics/Laboratory Corporation of America, LabCorp); PubMed 25489661 (cited by 3 submitters); PubMed 22305237 (cited by Mayo Clinic Laboratories, Mayo Clinic); PubMed 23352160 (cited by Mayo Clinic Laboratories, Mayo Clinic); PubMed 26886200 (cited by 3 submitters); PubMed 28507268 (cited by Mayo Clinic Laboratories, Mayo Clinic and Illumina Laboratory Services, Illumina); PubMed 31980526 (cited by Mayo Clinic Laboratories, Mayo Clinic); PubMed 35627109 (cited by Mayo Clinic Laboratories, Mayo Clinic); PubMed 31131953 (cited by Ambry Genetics).